The following is an entry in ClinVar:

NM_006231.4(POLE):c.2792T>C (p.Phe931Ser)

Gene: POLE (DNA polymerase epsilon, catalytic subunit; minus strand). Cytogenetic location: 12q24.33.
Variant type: single nucleotide variant.
Coding change: c.2792T>C on transcript NM_006231.4 (MANE Select); coding-DNA position 2792, T replaced by C.
Protein change: p.Phe931Ser; replaces phenylalanine 931 with serine.
Molecular consequence: missense variant.
Genome position (GRCh38, 1-based): chr12:132,661,599, A>G on the plus strand (T>C on the coding strand, the complement: POLE is on the minus strand). VCF-style: chr12-132661599-A-G. GRCh37 (hg19) VCF-style: chr12-133238185-A-G.
Other names: short protein forms F931S.
Identifiers: ClinVar variation 240446 (VCV000240446.20), dbSNP rs376546593, ClinGen allele CA6893445.

ClinVar aggregate classification (germline): Conflicting classifications of pathogenicity. Review status: criteria provided, conflicting classifications (1 of 4 stars). 5 submissions from 5 submitters: Uncertain significance (3); Likely benign (2). Last evaluated 2026-01-14.

Conditions:
Colorectal cancer, susceptibility to, 12 (CRCS12). Also called: COLORECTAL CANCER, SUSCEPTIBILITY TO, ON CHROMOSOME 12q24. Identifiers: Orphanet 220460, MedGen C3554460, MONDO:0014038, OMIM 615083.
Facial dysmorphism-immunodeficiency-livedo-short stature syndrome. Also called: Facial dysmorphism, immunodeficiency, livedo, and short stature; FILS syndrome. Identifiers: Orphanet 352712, MedGen C3554576, MONDO:0014058, OMIM 615139.
Intrauterine growth retardation, metaphyseal dysplasia, adrenal hypoplasia congenita, genital anomalies, and immunodeficiency. Also called: IMAGEI SYNDROME. Identifiers: MedGen C5193036, MONDO:0032684, OMIM 618336.
Hereditary cancer-predisposing syndrome. Also called: Tumor predisposition; Neoplastic Syndromes, Hereditary; Hereditary Cancer Syndrome; Hereditary neoplastic syndrome. Identifiers: Orphanet 140162, MedGen C0027672, MeSH D009386, MONDO:0015356.

Allele frequency attached by ClinVar (database versions not stated): gnomAD 0.00002; gnomAD exomes 0.00002 and 0.00004; TOPMed 0.00002; ExAC 0.00004; ESP Exome Variant Server 0.00008.
gnomAD v4.1: 27 of 1,614,072 alleles (0.0017%); highest among the groups gnomAD compares: Non-Finnish European, 0.00034%; no homozygotes.

Submissions (5):

Labcorp Genetics (formerly Invitae), Labcorp
Classification: Likely benign. Last evaluated: 2026-01-14. Review status: criteria provided, single submitter. Criteria: Invitae Variant Classification Sherloc (09022015). Collection method: clinical testing. Allele origin: germline.

Ambry Genetics
Classification: Uncertain significance for Hereditary cancer-predisposing syndrome. Last evaluated: 2025-01-13. Review status: criteria provided, single submitter. Criteria: Ambry Variant Classification Scheme 2023. Collection method: clinical testing. Allele origin: germline.
Comment: The p.F931S variant (also known as c.2792T>C), located in coding exon 24 of the POLE gene, results from a T to C substitution at nucleotide position 2792. The phenylalanine at codon 931 is replaced by serine, an amino acid with highly dissimilar properties. This amino acid position is highly conserved in available vertebrate species. In addition, this alteration is predicted to be deleterious by in silico analysis. Based on the available evidence, the clinical significance of this variant remains unclear.

GeneDx
Classification: Uncertain significance. Last evaluated: 2024-11-18. Review status: criteria provided, single submitter. Criteria: GeneDx Variant Classification Process June 2021. Collection method: clinical testing. Allele origin: germline. Affected: yes.
Comment: In silico analysis supports that this missense variant has a deleterious effect on protein structure/function; Observed in individuals with advanced cancer (PMID: 28873162); This variant is associated with the following publications: (PMID: 28873162, 20951805)

Department of Pathology and Laboratory Medicine, Sinai Health System
Classification: Uncertain significance for Colorectal cancer, susceptibility to, 12; Facial dysmorphism-immunodeficiency-livedo-short stature syndrome; Intrauterine growth retardation, metaphyseal dysplasia, adrenal hypoplasia congenita, genital anomalies, and immunodeficiency. Last evaluated: 2021-12-31. Review status: criteria provided, single submitter. Criteria: ACMG Guidelines, 2015. Collection method: clinical testing. Allele origin: germline. Affected: no.

Sema4
Classification: Likely benign for Hereditary cancer-predisposing syndrome. Last evaluated: 2020-12-31. Review status: criteria provided, single submitter. Criteria: Sema4 Curation Guidelines. Collection method: curation. Allele origin: germline.

Literature cited by the submitters: PubMed 28873162 (cited by Department of Pathology and Laboratory Medicine, Sinai Health System).